The following is an entry in ClinVar:

ClinVar aggregate classification (germline): Likely benign. Review status: criteria provided, multiple submitters, no conflicts (2 of 4 stars). 2 submissions from 2 submitters: Likely benign (2). Last evaluated 2025-03-27.

Conditions:
Hereditary diffuse leukoencephalopathy with spheroids. Also called: LEUKOENCEPHALOPATHY, ADULT-ONSET, WITH AXONAL SPHEROIDS AND PIGMENTED GLIA. Identifiers: Orphanet 313808, MedGen C3711381, MONDO:0030796.

Allele frequency attached by ClinVar (database versions not stated): gnomAD exomes 0.00001 and 0.00006; TOPMed 0.00003; ExAC 0.00006; gnomAD 0.00006; 1000 Genomes Project 30x 0.00016; 1000 Genomes Project 0.00020.
gnomAD v4.1: 27 of 1,612,162 alleles (0.0017%); highest among the groups gnomAD compares: East Asian, 0.029%; no homozygotes.

Submissions (2):

Labcorp Genetics (formerly Invitae), Labcorp
Classification: Likely benign. Last evaluated: 2025-03-27. Review status: criteria provided, single submitter. Criteria: Invitae Variant Classification Sherloc (09022015). Collection method: clinical testing. Allele origin: germline.

Illumina Laboratory Services, Illumina
Classification: Likely benign for Leukoencephalopathy, diffuse hereditary, with spheroids 1. Last evaluated: 2018-01-12. Review status: criteria provided, single submitter. Criteria: ICSL Variant Classification Criteria 13 December 2019. Collection method: clinical testing. Allele origin: germline.
Comment: This variant was observed in the ICSL laboratory as part of a predisposition screen in an ostensibly healthy population. It had not been previously curated by ICSL or reported in the Human Gene Mutation Database (HGMD: prior to June 1st, 2018), and was therefore a candidate for classification through an automated scoring system. Utilizing variant allele frequency, disease prevalence and penetrance estimates, and inheritance mode, an automated score was calculated to assess if this variant is too frequent to cause the disease. Based on the score and internal cut-off values, a variant classified as likely benign is not then subjected to further curation. The score for this variant resulted in a classification of likely benign for this disease.

NM_001288705.3(CSF1R):c.1520C>T (p.Thr507Met)

Gene: CSF1R (colony stimulating factor 1 receptor; minus strand). Cytogenetic location: 5q32.
Variant type: single nucleotide variant.
Coding change: c.1520C>T on transcript NM_001288705.3 (MANE Select); coding-DNA position 1520, C replaced by T.
Protein change: p.Thr507Met; replaces threonine 507 with methionine.
Molecular consequence: missense variant. On other transcripts: non-coding transcript variant (2).
Genome position (GRCh38, 1-based): chr5:150,068,321, G>A on the plus strand (C>T on the coding strand, the complement: CSF1R is on the minus strand). VCF-style: chr5-150068321-G-A. GRCh37 (hg19) VCF-style: chr5-149447884-G-A.
Other names: c.1520C>T, p.Thr507Met (NM_001349736.2, NM_001375320.1, NM_005211.4); c.1076C>T, p.Thr359Met (NM_001375321.1); short protein forms T507M, T359M.
Identifiers: ClinVar variation 352150 (VCV000352150.9), dbSNP rs538359948, ClinGen allele CA3506794.